The following is an entry in ClinVar:

ClinVar aggregate classification (germline): Uncertain significance (1 of 4 stars; one submission).

Conditions:
Developmental and epileptic encephalopathy, 11 (DEE11). Also called: Early infantile epileptic encephalopathy 11. Identifiers: Orphanet 1934, MedGen C3150987, MONDO:0013388, OMIM 613721.
Seizures, benign familial infantile, 3 (BFIS3). Also called: CONVULSIONS, BENIGN FAMILIAL INFANTILE, 3; Familial neonatal seizures. Identifiers: Orphanet 140927, Orphanet 306, MedGen C1843140, MONDO:0011904, OMIM 607745.

Submission:

Labcorp Genetics (formerly Invitae), Labcorp
Classification: Uncertain significance for Seizures, benign familial infantile, 3; Developmental and epileptic encephalopathy, 11. Last evaluated: 2024-02-08. Review status: criteria provided, single submitter. Criteria: Invitae Variant Classification Sherloc (09022015). Collection method: clinical testing. Allele origin: germline.
Comment: This sequence change replaces isoleucine, which is neutral and non-polar, with threonine, which is neutral and polar, at codon 1931 of the SCN2A protein (p.Ile1931Thr). This variant is not present in population databases (gnomAD no frequency). This variant has not been reported in the literature in individuals affected with SCN2A-related conditions. Advanced modeling of protein sequence and biophysical properties (such as structural, functional, and spatial information, amino acid conservation, physicochemical variation, residue mobility, and thermodynamic stability) performed at Invitae indicates that this missense variant is not expected to disrupt SCN2A protein function with a negative predictive value of 95%. In summary, the available evidence is currently insufficient to determine the role of this variant in disease. Therefore, it has been classified as a Variant of Uncertain Significance.

NM_001040142.2(SCN2A):c.5792T>C (p.Ile1931Thr)

Gene: SCN2A (sodium voltage-gated channel alpha subunit 2; plus strand). Cytogenetic location: 2q24.3.
Variant type: single nucleotide variant.
Coding change: c.5792T>C on transcript NM_001040142.2 (MANE Select); coding-DNA position 5792, T replaced by C.
Protein change: p.Ile1931Thr; replaces isoleucine 1931 with threonine.
Molecular consequence: missense variant.
Genome position (GRCh38, 1-based): chr2:165,389,598, T>C. VCF-style: chr2-165389598-T-C. GRCh37 (hg19) VCF-style: chr2-166246108-T-C.
Other names: c.5792T>C, p.Ile1931Thr (NM_001040143.2, NM_001371246.1, NM_001371247.1 and 1 more transcripts); short protein forms I1931T.
Identifiers: ClinVar variation 3753253 (VCV003753253.2).